The following is an entry in ClinVar:

ClinVar aggregate classification (germline): Likely pathogenic. Review status: criteria provided, multiple submitters, no conflicts (2 of 4 stars). 3 submissions from 3 submitters: Likely pathogenic (3). Last evaluated 2025-05-12.

Conditions:
ACE-related disorder. Also called: ACE-related condition; ACE-related disorders.

Allele frequency attached by ClinVar (database versions not stated): ExAC 0.00001; gnomAD 0.00001; gnomAD exomes 0.00001; TOPMed 0.00002.
gnomAD v4.1: 18 of 1,613,588 alleles (0.0011%); highest among the groups gnomAD compares: South Asian, 0.0099%; no homozygotes.

Submissions (3):

Labcorp Genetics (formerly Invitae), Labcorp
Classification: Likely pathogenic. Last evaluated: 2025-05-12. Review status: criteria provided, single submitter. Criteria: Invitae Variant Classification Sherloc (09022015). Collection method: clinical testing. Allele origin: germline.
Comment: This sequence change replaces arginine, which is basic and polar, with glutamine, which is neutral and polar, at codon 496 of the ACE protein (p.Arg496Gln). This variant also falls at the last nucleotide of exon 9, which is part of the consensus splice site for this exon. This variant is present in population databases (rs761345398, gnomAD 0.006%). This missense change has been observed in individual(s) with renal tubular dysgenesis (PMID: 30598831, 35286024). In at least one individual the data is consistent with being in trans (on the opposite chromosome) from a pathogenic variant. ClinVar contains an entry for this variant (Variation ID: 424035). An algorithm developed to predict the effect of missense changes on protein structure and function (PolyPhen-2) suggests that this variant is likely to be disruptive. Variants that disrupt the consensus splice site are a relatively common cause of aberrant splicing (PMID: 17576681, 9536098). Algorithms developed to predict the effect of sequence changes on RNA splicing suggest that this variant may disrupt the consensus splice site. In summary, the currently available evidence indicates that the variant is pathogenic, but additional data are needed to prove that conclusively. Therefore, this variant has been classified as Likely Pathogenic.

GeneDx
Classification: Likely pathogenic. Last evaluated: 2025-05-08. Review status: criteria provided, single submitter. Criteria: GeneDx Variant Classification Process June 2021. Collection method: clinical testing. Allele origin: germline. Affected: yes.
Comment: Identified with a second ACE variant in patients with renal tubular dysgenesis in the published literature, but it is not known whether the variants occurred on the same (in cis) or on different (in trans) chromosomes in all cases (PMID: 30598831, 35286024); Alters the last nucleotide of the exon and is predicted to destroy the splice donor site and result in aberrant splicing, although in the absence of functional evidence the actual effect of this sequence change is unknown; This variant is associated with the following publications: (PMID: 31589614, 30598831, 35286024)

Blueprint Genetics
Classification: Likely pathogenic for ACE-related disorders. Last evaluated: 2024-09-05. Review status: criteria provided, single submitter. Criteria: ACMG Guidelines, 2015. Collection method: clinical testing. Allele origin: germline. Affected: yes. Observed: 4 variant alleles.

Literature cited by the submitters: PubMed 30598831 (cited by Labcorp Genetics (formerly Invitae), Labcorp); PubMed 35286024 (cited by Labcorp Genetics (formerly Invitae), Labcorp); PubMed 17576681 (cited by Labcorp Genetics (formerly Invitae), Labcorp); PubMed 9536098 (cited by Labcorp Genetics (formerly Invitae), Labcorp).

NM_000789.4(ACE):c.1487G>A (p.Arg496Gln)

Gene: ACE (angiotensin I converting enzyme; plus strand). Cytogenetic location: 17q23.3.
Variant type: single nucleotide variant.
Coding change: c.1487G>A on transcript NM_000789.4 (MANE Select); coding-DNA position 1487, G replaced by A.
Protein change: p.Arg496Gln; replaces arginine 496 with glutamine.
Molecular consequence: missense variant.
Genome position (GRCh38, 1-based): chr17:63,483,173, G>A. VCF-style: chr17-63483173-G-A. GRCh37 (hg19) VCF-style: chr17-61560534-G-A.
Other names: short protein forms R496Q.
Identifiers: ClinVar variation 424035 (VCV000424035.10), dbSNP rs761345398, ClinGen allele CA8699550.